The following is an entry in ClinVar:

ClinVar aggregate classification (germline): Uncertain significance (1 of 4 stars; one submission).

Conditions:
Nephronophthisis. Also called: Juvenile Nephronophthisis. Identifiers: Orphanet 655, MedGen C0687120, MONDO:0019005, HP:0000090.

gnomAD v4.1: 1 of 1,593,994 alleles (0.000063%); highest among the groups gnomAD compares: Non-Finnish European, 0.000086%; no homozygotes.

Submission:

Labcorp Genetics (formerly Invitae), Labcorp
Classification: Uncertain significance for Nephronophthisis. Last evaluated: 2024-03-28. Review status: criteria provided, single submitter. Criteria: Invitae Variant Classification Sherloc (09022015). Collection method: clinical testing. Allele origin: germline.
Comment: This sequence change affects codon 1381 of the NPHP4 mRNA. It is a 'silent' change, meaning that it does not change the encoded amino acid sequence of the NPHP4 protein. This variant is not present in population databases (gnomAD no frequency). This variant has not been reported in the literature in individuals affected with NPHP4-related conditions. Algorithms developed to predict the effect of sequence changes on RNA splicing suggest that this variant may disrupt the consensus splice site. In summary, the available evidence is currently insufficient to determine the role of this variant in disease. Therefore, it has been classified as a Variant of Uncertain Significance.

NM_015102.5(NPHP4):c.4143C>G (p.Val1381=)

Gene: NPHP4 (nephrocystin 4; minus strand). Cytogenetic location: 1p36.31.
Variant type: single nucleotide variant.
Coding change: c.4143C>G on transcript NM_015102.5 (MANE Select); coding-DNA position 4143, C replaced by G.
Protein change: p.Val1381=; no amino-acid change (valine 1381 retained).
Molecular consequence: synonymous variant. On other transcripts: non-coding transcript variant (1).
Genome position (GRCh38, 1-based): chr1:5,863,403, G>C on the plus strand (C>G on the coding strand, the complement: NPHP4 is on the minus strand). VCF-style: chr1-5863403-G-C. GRCh37 (hg19) VCF-style: chr1-5923463-G-C.
Other names: c.2604C>G, p.Val868= (NM_001291593.2); c.2607C>G, p.Val869= (NM_001291594.2).
Identifiers: ClinVar variation 3676326 (VCV003676326.2).
Genomic context (GRCh38, chr1:5,863,403, plus strand): 5'-CTCACCCACTCTCTGACTAGGCGCAAACTGCAAGCCGATGGTGTAGGTCTCTCCACCCCC[G>C]ACCTGGAAATAAGCATCCAAATCCCAGCATCCACCCCCGGGCTGTCCCACGCTCTCACCA-3'
Protein context (NP_055917.1, residues 1371-1391): LLRFREDSFQ[Val1381=]GGGETYTIGL